The following is an entry in ClinVar:

NM_000260.4(MYO7A):c.6521T>G (p.Leu2174Trp)

Gene: MYO7A (myosin VIIA; plus strand). Cytogenetic location: 11q13.5.
Variant type: single nucleotide variant.
Coding change: c.6521T>G on transcript NM_000260.4 (MANE Select); coding-DNA position 6521, T replaced by G.
Protein change: p.Leu2174Trp; replaces leucine 2174 with tryptophan.
Molecular consequence: missense variant.
Genome position (GRCh38, 1-based): chr11:77,213,942, T>G. VCF-style: chr11-77213942-T-G. GRCh37 (hg19) VCF-style: chr11-76924987-T-G.
Other names: c.6401T>G, p.Leu2134Trp (NM_001127180.2); c.6374T>G, p.Leu2125Trp (NM_001369365.1); c.6521T>G (NM_000260.3); short protein forms L2134W, L2174W, L2125W.
Identifiers: ClinVar variation 1356140 (VCV001356140.6), dbSNP rs963696924, ClinGen allele CA224830106.

ClinVar aggregate classification (germline): Uncertain significance. Review status: criteria provided, multiple submitters, no conflicts (2 of 4 stars). 2 submissions from 2 submitters: Uncertain significance (2). Last evaluated 2025-09-02.

Conditions:
Inborn genetic diseases. Identifiers: MedGen C0950123, MeSH D030342.

Submissions (2):

Labcorp Genetics (formerly Invitae), Labcorp
Classification: Uncertain significance. Last evaluated: 2025-09-02. Review status: criteria provided, single submitter. Criteria: Invitae Variant Classification Sherloc (09022015). Collection method: clinical testing. Allele origin: germline.
Comment: This sequence change replaces leucine, which is neutral and non-polar, with tryptophan, which is neutral and slightly polar, at codon 2174 of the MYO7A protein (p.Leu2174Trp). This variant is not present in population databases (gnomAD no frequency). This variant has not been reported in the literature in individuals affected with MYO7A-related conditions. ClinVar contains an entry for this variant (Variation ID: 1356140). Invitae Evidence Modeling of protein sequence and biophysical properties (such as structural, functional, and spatial information, amino acid conservation, physicochemical variation, residue mobility, and thermodynamic stability) indicates that this missense variant is expected to disrupt MYO7A protein function with a positive predictive value of 95%. In summary, the available evidence is currently insufficient to determine the role of this variant in disease. Therefore, it has been classified as a Variant of Uncertain Significance.

Ambry Genetics
Classification: Uncertain significance for Inborn genetic diseases. Last evaluated: 2025-04-08. Review status: criteria provided, single submitter. Criteria: Ambry Variant Classification Scheme 2023. Collection method: clinical testing. Allele origin: germline.